The following is an entry in ClinVar:

ClinVar aggregate classification (germline): Uncertain significance. Review status: criteria provided, multiple submitters, no conflicts (2 of 4 stars). 2 submissions from 2 submitters: Uncertain significance (2). Last evaluated 2025-10-23.

Conditions:
Hereditary cancer-predisposing syndrome. Also called: Neoplastic Syndromes, Hereditary; Hereditary Cancer Syndrome; Hereditary neoplastic syndrome; Tumor predisposition. Identifiers: Orphanet 140162, MedGen C0027672, MeSH D009386, MONDO:0015356.
Cardiovascular phenotype. Identifiers: MedGen CN230736.
Neurofibromatosis, type 1 (NF1). Also called: Neurofibromatosis, type I; Peripheral type neurofibromatosis; VON RECKLINGHAUSEN DISEASE; NEUROFIBROMATOSIS, TYPE I, SOMATIC. Identifiers: Orphanet 636, MedGen C0027831, MONDO:0018975, OMIM 162200. Disease mechanism: loss of function.

Allele frequency attached by ClinVar (database versions not stated): gnomAD exomes below 0.00001.
gnomAD v4.1: 1 of 1,614,018 alleles (0.000062%); no homozygotes.

Submissions (2):

Ambry Genetics
Classification: Uncertain significance for Cardiovascular phenotype; Hereditary cancer-predisposing syndrome. Last evaluated: 2025-10-23. Review status: criteria provided, single submitter. Criteria: Ambry Variant Classification Scheme 2023. Collection method: clinical testing. Allele origin: germline.
Comment: The p.H2661Q variant (also known as c.7983T>A), located in coding exon 54 of the NF1 gene, results from a T to A substitution at nucleotide position 7983. The histidine at codon 2661 is replaced by glutamine, an amino acid with highly similar properties. This amino acid position is highly conserved in available vertebrate species. In addition, the in silico prediction for this alteration is inconclusive. Since supporting evidence is limited at this time, the clinical significance of this alteration remains unclear.

Labcorp Genetics (formerly Invitae), Labcorp
Classification: Uncertain significance for Neurofibromatosis, type 1. Last evaluated: 2025-02-17. Review status: criteria provided, single submitter. Criteria: Invitae Variant Classification Sherloc (09022015). Collection method: clinical testing. Allele origin: germline.
Comment: This sequence change replaces histidine, which is basic and polar, with glutamine, which is neutral and polar, at codon 2661 of the NF1 protein (p.His2661Gln). This variant is present in population databases (no rsID available, gnomAD no frequency). This variant has not been reported in the literature in individuals affected with NF1-related conditions. ClinVar contains an entry for this variant (Variation ID: 827373). Invitae Evidence Modeling of protein sequence and biophysical properties (such as structural, functional, and spatial information, amino acid conservation, physicochemical variation, residue mobility, and thermodynamic stability) indicates that this missense variant is not expected to disrupt NF1 protein function with a negative predictive value of 95%. In summary, the available evidence is currently insufficient to determine the role of this variant in disease. Therefore, it has been classified as a Variant of Uncertain Significance.

NM_001042492.3(NF1):c.8046T>A (p.His2682Gln)

Gene: NF1 (neurofibromin 1; plus strand). Cytogenetic location: 17q11.2.
Variant type: single nucleotide variant.
Coding change: c.8046T>A on transcript NM_001042492.3 (MANE Select); coding-DNA position 8046, T replaced by A.
Protein change: p.His2682Gln; replaces histidine 2682 with glutamine.
Molecular consequence: missense variant.
Genome position (GRCh38, 1-based): chr17:31,358,555, T>A. VCF-style: chr17-31358555-T-A. GRCh37 (hg19) VCF-style: chr17-29685573-T-A.
Other names: c.7983T>A, p.His2661Gln (NM_000267.4); short protein forms H2682Q, H2661Q.
Identifiers: ClinVar variation 827373 (VCV000827373.11), dbSNP rs1184642602, ClinGen allele CA399203759.